The following is an entry in ClinVar:

NM_002905.5(RDH5):c.401A>C (p.Asn134Thr)

Genes: BLOC1S1-RDH5 (BLOC1S1-RDH5 readthrough; plus strand), RDH5 (retinol dehydrogenase 5; plus strand). Cytogenetic location: 12q13.2.
Variant type: single nucleotide variant.
Coding change: c.401A>C on transcript NM_002905.5 (MANE Select); coding-DNA position 401, A replaced by C.
Protein change: p.Asn134Thr; replaces asparagine 134 with threonine.
Molecular consequence: missense variant. On other transcripts: non-coding transcript variant (1).
Genome position (GRCh38, 1-based): chr12:55,721,779, A>C. VCF-style: chr12-55721779-A-C. GRCh37 (hg19) VCF-style: chr12-56115563-A-C.
Other names: c.401A>C, p.Asn134Thr (NM_001199771.3); c.401A>C (NM_002905.3); short protein forms N134T.
Identifiers: ClinVar variation 1571649 (VCV001571649.10), dbSNP rs550766930, ClinGen allele CA6616836.
Genomic context (GRCh38, chr12:55,721,779, plus strand): 5'-TGGCTGGTATCATCGGACCCACACCATGGCTGACCCGGGACGATTTCCAGCGGGTGCTGA[A>C]TGTGAACACAATGGGTCCCATCGGGGTCACCCTTGCCCTGCTGCCTCTGCTGCAGCAAGC-3'
Protein context (NP_002896.2, residues 124-144): LTRDDFQRVL[Asn134Thr]VNTMGPIGVT

ClinVar aggregate classification (germline): Likely benign. Review status: criteria provided, multiple submitters, no conflicts (2 of 4 stars). 3 submissions from 3 submitters: Likely benign (3). Last evaluated 2026-01-27.

Conditions:
RDH5-related disorder. Also called: RDH5-related condition.

Allele frequency attached by ClinVar (database versions not stated): gnomAD exomes 0.00017 and 0.00034; ExAC 0.00045; gnomAD 0.00001 and 0.00006; TOPMed 0.00001; 1000 Genomes Project 0.00060; 1000 Genomes Project 30x 0.00062.
gnomAD v4.1: 255 of 1,614,064 alleles (0.016%); highest among the groups gnomAD compares: South Asian, 0.27%; 2 homozygotes.

Submissions (3):

PreventionGenetics, part of Exact Sciences
Classification: Likely benign for RDH5-related condition. Last evaluated: 2026-01-27. Review status: criteria provided, single submitter. Criteria: ACMG Guidelines, 2015. Collection method: clinical testing. Allele origin: germline.
Comment: This variant is classified as likely benign based on ACMG/AMP sequence variant interpretation guidelines (Richards et al. 2015 PMID: 25741868, with internal and published modifications).

Labcorp Genetics (formerly Invitae), Labcorp
Classification: Likely benign. Last evaluated: 2025-03-31. Review status: criteria provided, single submitter. Criteria: Invitae Variant Classification Sherloc (09022015). Collection method: clinical testing. Allele origin: germline.

Blueprint Genetics
Classification: Likely benign. Last evaluated: 2024-09-12. Review status: criteria provided, single submitter. Criteria: ACMG Guidelines, 2015. Collection method: clinical testing. Allele origin: germline.